The following is an entry in ClinVar:

ClinVar aggregate classification (germline): Uncertain significance. Review status: criteria provided, multiple submitters, no conflicts (2 of 4 stars). 4 submissions from 4 submitters: Uncertain significance (4). Last evaluated 2025-12-23.

Conditions:
Hereditary cancer-predisposing syndrome. Also called: Hereditary Cancer Syndrome; Hereditary neoplastic syndrome; Neoplastic Syndromes, Hereditary; Tumor predisposition. Identifiers: Orphanet 140162, MedGen C0027672, MeSH D009386, MONDO:0015356.
Cardiovascular phenotype. Identifiers: MedGen CN230736.
Noonan syndrome 2 (NS2). Identifiers: Orphanet 648, MedGen C1854469, MONDO:0011531, OMIM 605275.

Allele frequency attached by ClinVar (database versions not stated): gnomAD 0.00001; gnomAD exomes 0.00001 and 0.00004; ExAC 0.00003; TOPMed 0.00004; ESP Exome Variant Server 0.00008.
gnomAD v4.1: 22 of 1,610,326 alleles (0.0014%); highest among the groups gnomAD compares: African/African-American, 0.0053%; no homozygotes.

Submissions (4):

Labcorp Genetics (formerly Invitae), Labcorp
Classification: Uncertain significance. Last evaluated: 2025-12-23. Review status: criteria provided, single submitter. Criteria: Invitae Variant Classification Sherloc (09022015). Collection method: clinical testing. Allele origin: germline.
Comment: This sequence change replaces arginine, which is basic and polar, with tryptophan, which is neutral and slightly polar, at codon 478 of the LZTR1 protein (p.Arg478Trp). This variant is present in population databases (rs150365548, gnomAD 0.006%). This variant has not been reported in the literature in individuals affected with LZTR1-related conditions. ClinVar contains an entry for this variant (Variation ID: 1447962). Invitae Evidence Modeling of protein sequence and biophysical properties (such as structural, functional, and spatial information, amino acid conservation, physicochemical variation, residue mobility, and thermodynamic stability) indicates that this missense variant is not expected to disrupt LZTR1 protein function with a negative predictive value of 80%. In summary, the available evidence is currently insufficient to determine the role of this variant in disease. Therefore, it has been classified as a Variant of Uncertain Significance.

Ambry Genetics
Classification: Uncertain significance for Cardiovascular phenotype; Hereditary cancer-predisposing syndrome. Last evaluated: 2024-12-16. Review status: criteria provided, single submitter. Criteria: Ambry Variant Classification Scheme 2023. Collection method: clinical testing. Allele origin: germline.
Comment: The p.R478W variant (also known as c.1432C>T), located in coding exon 13 of the LZTR1 gene, results from a C to T substitution at nucleotide position 1432. The arginine at codon 478 is replaced by tryptophan, an amino acid with dissimilar properties. This variant was reported in individual(s) with features consistent with LZTR1-related schwannomatosis (Ambry internal data). This amino acid position is well conserved in available vertebrate species. In addition, this alteration is predicted to be tolerated by in silico analysis. Based on the available evidence, the clinical significance of this variant remains unclear.

GeneDx
Classification: Uncertain significance. Last evaluated: 2024-11-05. Review status: criteria provided, single submitter. Criteria: GeneDx Variant Classification Process June 2021. Collection method: clinical testing. Allele origin: germline. Affected: yes.
Comment: In silico analysis supports that this missense variant has a deleterious effect on protein structure/function; Identified in a patient with Noonan syndrome and mild conductive hearing loss in published literature (PMID: 32059087); This variant is associated with the following publications: (PMID: 32059087)

Clinical Genomics Laboratory, Washington University in St. Louis
Classification: Uncertain significance for Noonan syndrome 2. Last evaluated: 2023-11-27. Review status: criteria provided, single submitter. Criteria: ACMG Guidelines, 2015. Collection method: clinical testing. Allele origin: germline.
Comment: The LZTR1 c.1432C>T (p.Arg478Trp) variant has been reported in the literature in an individual with a clinical diagnosis of Noonan syndrome with mild conductive hearing loss (Lazzaro G et al., PMID: 32059087). This variant has been reported in the ClinVar database as a germline variant of uncertain significance by two submitters. This variant is only observed on 9/241,152 alleles in the general population (gnomAD v.2.1.1), indicating it is not a common variant. This variant occurs in an alpha helix in the BTB domain and changes a positively charged arginine to a non-polar tryptophan, but computational predictors suggest that the variant does not impact LZTR1 function. Due to limited information, and based on ACMG/AMP guidelines for variant interpretation (Richards S et al., PMID: 25741868), the clinical significance of this variant is uncertain at this time.

Literature cited by the submitters: PubMed 32059087 (cited by Ambry Genetics).

NM_006767.4(LZTR1):c.1432C>T (p.Arg478Trp)

Gene: LZTR1 (leucine zipper like post translational regulator 1; plus strand). Cytogenetic location: 22q11.21.
Variant type: single nucleotide variant.
Coding change: c.1432C>T on transcript NM_006767.4 (MANE Select); coding-DNA position 1432, C replaced by T.
Protein change: p.Arg478Trp; replaces arginine 478 with tryptophan.
Molecular consequence: missense variant.
Genome position (GRCh38, 1-based): chr22:20,994,002, C>T. VCF-style: chr22-20994002-C-T. GRCh37 (hg19) VCF-style: chr22-21348291-C-T.
Other names: short protein forms R478W.
Identifiers: ClinVar variation 1447962 (VCV001447962.11), dbSNP rs150365548, ClinGen allele CA10118885.